The following is an entry in ClinVar:

NM_004656.4(BAP1):c.37+1G>A

Gene: BAP1 (BRCA1 associated deubiquitinase 1; minus strand). Cytogenetic location: 3p21.1.
Variant type: single nucleotide variant.
Coding change: c.37+1G>A on transcript NM_004656.4 (MANE Select); the canonical splice donor site of the intron after coding-DNA position 37, G replaced by A.
Molecular consequence: splice donor variant.
Genome position (GRCh38, 1-based): chr3:52,409,841, C>T on the plus strand (G>A on the coding strand, the complement: BAP1 is on the minus strand). VCF-style: chr3-52409841-C-T. GRCh37 (hg19) VCF-style: chr3-52443857-C-T.
Other names: c.37+1G>A (NM_004656.2, NM_001410772.1).
Identifiers: ClinVar variation 2015965 (VCV002015965.5), dbSNP rs1559593339, ClinGen allele CA353115034.

ClinVar aggregate classification (germline): Pathogenic/Likely pathogenic. Review status: criteria provided, multiple submitters, no conflicts (2 of 4 stars). 2 submissions from 2 submitters: Pathogenic (1); Likely pathogenic (1). Last evaluated 2026-04-13.

Conditions:
BAP1-related tumor predisposition syndrome (TPDS1). Also called: COMMON Syndrome; Tumor susceptibility linked to germline BAP1 mutations; TUMOR PREDISPOSITION SYNDROME 1; BAP1 tumor predisposition syndrome. Identifiers: Orphanet 289539, MedGen C3280492, MONDO:0013692, OMIM 614327.
Hereditary cancer-predisposing syndrome. Also called: Neoplastic Syndromes, Hereditary; Tumor predisposition; Hereditary Cancer Syndrome; Hereditary neoplastic syndrome. Identifiers: Orphanet 140162, MedGen C0027672, MeSH D009386, MONDO:0015356.

Submissions (2):

Ambry Genetics
Classification: Pathogenic for Hereditary cancer-predisposing syndrome. Last evaluated: 2026-04-13. Review status: criteria provided, single submitter. Criteria: Ambry Variant Classification Scheme 2023. Collection method: clinical testing. Allele origin: germline.
Comment: The c.37+1G>A intronic pathogenic mutation results from a G to A substitution one nucleotide after coding exon 1 of the BAP1 gene. This alteration was non-functional in a high throughput genome editing haploid cell survival functional assay (Waters AJ et al. Nat Genet, 2024 Jul;56:1434-1445). This variant is considered to be rare based on population cohorts in the Genome Aggregation Database (gnomAD). This nucleotide position is highly conserved in available vertebrate species. In silico splice site analysis predicts that this alteration will weaken the native splice donor site and may result in the creation or strengthening of a novel splice donor site; however, direct evidence is insufficient at this time (Ambry internal data). Variants that disrupt the canonical splice site are expected to cause aberrant splicing, resulting in an abnormal protein or a transcript that is subject to nonsense-mediated mRNA decay. As such, this variant is classified as a disease-causing mutation.

Labcorp Genetics (formerly Invitae), Labcorp
Classification: Likely pathogenic for BAP1-related tumor predisposition syndrome. Last evaluated: 2022-07-11. Review status: criteria provided, single submitter. Criteria: Invitae Variant Classification Sherloc (09022015). Collection method: clinical testing. Allele origin: germline.
Comment: This variant has not been reported in the literature in individuals affected with BAP1-related conditions. In summary, the currently available evidence indicates that the variant is pathogenic, but additional data are needed to prove that conclusively. Therefore, this variant has been classified as Likely Pathogenic. Algorithms developed to predict the effect of sequence changes on RNA splicing suggest that this variant may disrupt the consensus splice site. This variant is not present in population databases (gnomAD no frequency). This sequence change affects a donor splice site in intron 1 of the BAP1 gene. It is expected to disrupt RNA splicing. Variants that disrupt the donor or acceptor splice site typically lead to a loss of protein function (PMID: 16199547), and loss-of-function variants in BAP1 are known to be pathogenic (PMID: 21874000, 23684012).

Literature cited by the submitters: PubMed 38969833 (cited by Ambry Genetics); PubMed 16199547 (cited by Labcorp Genetics (formerly Invitae), Labcorp); PubMed 21874000 (cited by Labcorp Genetics (formerly Invitae), Labcorp); PubMed 23684012 (cited by Labcorp Genetics (formerly Invitae), Labcorp).